The following is an entry in ClinVar:

NM_001131016.2(CIZ1):c.1441G>T (p.Val481Phe)

Gene: CIZ1 (CDKN1A interacting zinc finger protein 1; minus strand). Cytogenetic location: 9q34.11.
Variant type: single nucleotide variant.
Coding change: c.1441G>T on transcript NM_001131016.2 (MANE Select); coding-DNA position 1441, G replaced by T.
Protein change: p.Val481Phe; replaces valine 481 with phenylalanine.
Molecular consequence: missense variant.
Genome position (GRCh38, 1-based): chr9:128,178,766, C>A on the plus strand (G>T on the coding strand, the complement: CIZ1 is on the minus strand). VCF-style: chr9-128178766-C-A. GRCh37 (hg19) VCF-style: chr9-130941045-C-A.
Other names: c.1273G>T, p.Val425Phe (NM_001131015.2); c.1258G>T, p.Val420Phe (NM_001131017.2); c.1201G>T, p.Val401Phe (NM_001131018.2); c.1531G>T, p.Val511Phe (NM_001257975.2); c.1138G>T, p.Val380Phe (NM_001257976.2); c.1441G>T, p.Val481Phe (NM_012127.3); short protein forms V380F, V425F, V481F, V511F, V420F, V401F.
Identifiers: ClinVar variation 2072649 (VCV002072649.4), dbSNP rs770308618, ClinGen allele CA5257307.

ClinVar aggregate classification (germline): Uncertain significance (1 of 4 stars; one submission).

Conditions:
Dystonic disorder. Also called: Dystonia. Identifiers: MedGen C0013421, MONDO:0003441, HP:0001332.

Allele frequency attached by ClinVar (database versions not stated): TOPMed 0.00006; gnomAD exomes 0.00001; ExAC 0.00002; gnomAD 0.00003.
gnomAD v4.1: 24 of 1,614,150 alleles (0.0015%); highest among the groups gnomAD compares: Admixed American, 0.017%; no homozygotes.

Submission:

Labcorp Genetics (formerly Invitae), Labcorp
Classification: Uncertain significance for Dystonic disorder. Last evaluated: 2025-10-18. Review status: criteria provided, single submitter. Criteria: Invitae Variant Classification Sherloc (09022015). Collection method: clinical testing. Allele origin: germline.
Comment: This sequence change replaces valine, which is neutral and non-polar, with phenylalanine, which is neutral and non-polar, at codon 481 of the CIZ1 protein (p.Val481Phe). This variant is present in population databases (rs770308618, gnomAD 0.02%). This variant has not been reported in the literature in individuals affected with CIZ1-related conditions. ClinVar contains an entry for this variant (Variation ID: 2072649). An algorithm developed to predict the effect of missense changes on protein structure and function (PolyPhen-2) suggests that this variant is likely to be tolerated. In summary, the available evidence is currently insufficient to determine the role of this variant in disease. Therefore, it has been classified as a Variant of Uncertain Significance.